The following is an entry in ClinVar:

NM_001184880.2(PCDH19):c.3379C>T (p.Pro1127Ser)

Gene: PCDH19 (protocadherin 19; minus strand). Cytogenetic location: Xq22.1.
Variant type: single nucleotide variant.
Coding change: c.3379C>T on transcript NM_001184880.2 (MANE Select); coding-DNA position 3379, C replaced by T.
Protein change: p.Pro1127Ser; replaces proline 1127 with serine.
Molecular consequence: missense variant.
Genome position (GRCh38, 1-based): chrX:100,296,345, G>A on the plus strand (C>T on the coding strand, the complement: PCDH19 is on the minus strand). VCF-style: chrX-100296345-G-A. GRCh37 (hg19) VCF-style: chrX-99551343-G-A.
Other names: c.3238C>T, p.Pro1080Ser (NM_001105243.2); c.3235C>T, p.Pro1079Ser (NM_020766.3); short protein forms P1127S, P1079S, P1080S.
Identifiers: ClinVar variation 533855 (VCV000533855.10), dbSNP rs1388666203, ClinGen allele CA413999446.
Genomic context (GRCh38, chrX:100,296,345, plus strand): 5'-CGATATCCTTCAGACGCTTCACACCAGGGGACTCTTTGTTGCGACCTTCCTTCAGAATGG[G>A]GCTGACCTCATGCATGACTTTCTCGCTATCAGCTCCACGGGGCTCAGCTTCAGAGGGACG-3'
Protein context (NP_001171809.1, residues 1117-1137): DSEKVMHEVS[Pro1127Ser]ILKEGRNKES

ClinVar aggregate classification (germline): Conflicting classifications of pathogenicity. Review status: criteria provided, conflicting classifications (1 of 4 stars). 2 submissions from 2 submitters: Uncertain significance (1); Likely benign (1). Last evaluated 2026-08-01.

Conditions:
Developmental and epileptic encephalopathy, 9 (DEE9). Also called: Early infantile epileptic encephalopathy 9; JUBERG-HELLMAN SYNDROME; PCDH19-Related X-Linked Female-Limited Epilepsy with Mental Retardation; EPILEPSY, FEMALE-RESTRICTED, WITH MENTAL RETARDATION. Identifiers: Orphanet 101039, Orphanet 2076, MedGen C1848137, MONDO:0010246, OMIM 300088. Disease mechanism: loss of function.

Allele frequency attached by ClinVar (database versions not stated): TOPMed below 0.00001; gnomAD 0.00001; gnomAD exomes 0.00001.
gnomAD v4.1: 15 of 1,209,729 alleles (0.0012%); highest among the groups gnomAD compares: Non-Finnish European, 0.0017%; no homozygotes.

Submissions (2):

CeGaT Center for Human Genetics Tuebingen
Classification: Likely benign. Last evaluated: 2026-08-01. Review status: criteria provided, single submitter. Criteria: CeGaT Center For Human Genetics Tuebingen Variant Classification Criteria Version 2. Collection method: clinical testing. Allele origin: germline. Affected: yes. Observed: 1 variant allele.
Comment: PCDH19: BP4

Labcorp Genetics (formerly Invitae), Labcorp
Classification: Uncertain significance for Developmental and epileptic encephalopathy, 9. Last evaluated: 2025-03-18. Review status: criteria provided, single submitter. Criteria: Invitae Variant Classification Sherloc (09022015). Collection method: clinical testing. Allele origin: germline.
Comment: This sequence change replaces proline, which is neutral and non-polar, with serine, which is neutral and polar, at codon 1127 of the PCDH19 protein (p.Pro1127Ser). This variant is not present in population databases (gnomAD no frequency). This variant has not been reported in the literature in individuals affected with PCDH19-related conditions. ClinVar contains an entry for this variant (Variation ID: 533855). Invitae Evidence Modeling of protein sequence and biophysical properties (such as structural, functional, and spatial information, amino acid conservation, physicochemical variation, residue mobility, and thermodynamic stability) indicates that this missense variant is not expected to disrupt PCDH19 protein function with a negative predictive value of 95%. In summary, the available evidence is currently insufficient to determine the role of this variant in disease. Therefore, it has been classified as a Variant of Uncertain Significance.